The following is an entry in ClinVar:

NM_000059.4(BRCA2):c.1163_1166dup (p.Ser390fs)

Gene: BRCA2 (BRCA2 DNA repair associated; plus strand). Cytogenetic location: 13q13.1.
Variant type: Duplication.
Coding change: c.1163_1166dup on transcript NM_000059.4 (MANE Select); coding-DNA positions 1163 to 1166, 4 bases duplicated (TACC; older notation c.1163_1166dupTACC).
Protein change: p.Ser390fs; shifts the reading frame from serine 390.
Molecular consequence: frameshift variant.
Genome position (GRCh38, 1-based): chr13:32,332,641-32,332,644, TACC duplicated. VCF-style (leftmost placement, unchanged base first): chr13-32332640-G-GTACC. GRCh37 (hg19) VCF-style: chr13-32906777-G-GTACC.
Other names: c.1163_1166dupTACC (NM_000059.3); short protein forms S390fs.
Identifiers: ClinVar variation 186223 (VCV000186223.6), dbSNP rs786202789, ClinGen allele CA194191.

ClinVar aggregate classification (germline): Pathogenic. Review status: reviewed by expert panel (3 of 4 stars). 2 submissions from 2 submitters: Pathogenic (1). 1 of the submissions does not count toward it. Last evaluated 2016-09-08.

Conditions:
Hereditary cancer-predisposing syndrome. Also called: Hereditary Cancer Syndrome; Neoplastic Syndromes, Hereditary; Tumor predisposition; Hereditary neoplastic syndrome. Identifiers: Orphanet 140162, MedGen C0027672, MeSH D009386, MONDO:0015356.
Breast-ovarian cancer, familial, susceptibility to, 2 (BROVCA2). Also called: BRCA2 Hereditary Breast and Ovarian Cancer. Identifiers: Orphanet 145, MedGen C2675520, MONDO:0012933, OMIM 612555. Disease mechanism: loss of function.

Submissions (2):

Evidence-based Network for the Interpretation of Germline Mutant Alleles (ENIGMA)
Classification: Pathogenic for Breast-ovarian cancer, familial, susceptibility to, 2. Last evaluated: 2016-09-08. Review status: reviewed by expert panel. Criteria: ENIGMA BRCA1/2 Classification Criteria (2015). Collection method: curation. Allele origin: germline.
Comment: Variant allele predicted to encode a truncated non-functional protein.

Ambry Genetics
Classification: Pathogenic for Hereditary cancer-predisposing syndrome. Last evaluated: 2014-08-19. Review status: criteria provided, single submitter. Criteria: Ambry Variant Classification Scheme 2023. Collection method: clinical testing. Allele origin: germline. Not counted in ClinVar's aggregate classification.
Comment: The c.1163_1166dupTACC pathogenic mutation (also known as 1394ins4) is located in coding exon 9 of the BRCA2 gene. This results from a duplication of 4 nucleotides between position 1163 and 1166 causing a translational frameshift with a predicted alternate stop codon. Since frameshifts are typically deleterious in nature, this alteration is interpreted as a disease-causing mutation (ACMG Recommendations for Standards for Interpretation and Reporting of Sequence Variations. Revision 2007. Genet Med. 2008;10:294).